The following is an entry in ClinVar:

ClinVar aggregate classification (germline): Pathogenic/Likely pathogenic. Review status: criteria provided, multiple submitters, no conflicts (2 of 4 stars). 4 submissions from 4 submitters: Pathogenic (3); Likely pathogenic (1). Last evaluated 2026-01-26.

Conditions:
Primary ciliary dyskinesia 7. Also called: CILIARY DYSKINESIA, PRIMARY, 7, WITH OR WITHOUT SITUS INVERSUS. Identifiers: Orphanet 244, MedGen C2678473, MONDO:0012748, OMIM 611884.
Primary ciliary dyskinesia. Also called: Ciliary dyskinesia. Identifiers: Orphanet 244, MedGen C0008780, MONDO:0016575, HP:0012265.

gnomAD v4.1: 9 of 1,612,430 alleles (0.00056%); highest among the groups gnomAD compares: East Asian, 0.0045%; no homozygotes.

Submissions (4):

Medical and Scientific Branch, Hong Kong Genome Institute
Classification: Pathogenic for Primary ciliary dyskinesia 7. Last evaluated: 2026-01-26. Review status: criteria provided, single submitter. Criteria: ACMG Guidelines, 2015. Collection method: clinical testing. Allele origin: paternal. Affected: yes.

Broad Center for Mendelian Genomics, Broad Institute of MIT and Harvard
Classification: Likely pathogenic for Primary ciliary dyskinesia 7. Last evaluated: 2025-02-14. Review status: criteria provided, single submitter. Criteria: ACMG Guidelines, 2015. Collection method: curation. Allele origin: germline. Inheritance: Autosomal recessive inheritance.
Comment: The p.Arg1836Ter variant in DNAH11 has been reported in 2 individuals with primary ciliary dyskinesia (PMID: 28199173, 37860582), and has been identified in 0.004% (2/44862) of East Asian chromosomes by the Genome Aggregation Database (gnomAD; dbSNP ID: rs370080269). Although this variant has been seen in the general population in a heterozygous state, its frequency is low enough to be consistent with a recessive carrier frequency. This variant has also been reported in ClinVar (Variation ID: 2689025) and has been interpreted as Pathogenic by Revvity Omics (Revvity) and Invitae. This nonsense variant leads to a premature termination codon at position 1836, which is predicted to lead to a truncated or absent protein. Loss of function of the DNAH11 gene is an established disease mechanism in autosomal recessive primary ciliary dyskinesia. In summary, this variant meets criteria to be classified as pathogenic for autosomal recessive primary ciliary dyskinesia. ACMG/AMP Criteria applied: PVS1, PM2_supporting (Richards 2015).

Labcorp Genetics (formerly Invitae), Labcorp
Classification: Pathogenic for Primary ciliary dyskinesia. Last evaluated: 2023-08-28. Review status: criteria provided, single submitter. Criteria: Invitae Variant Classification Sherloc (09022015). Collection method: clinical testing. Allele origin: germline.
Comment: This sequence change creates a premature translational stop signal (p.Arg1836*) in the DNAH11 gene. It is expected to result in an absent or disrupted protein product. Loss-of-function variants in DNAH11 are known to be pathogenic (PMID: 18022865, 20513915, 22184204). This variant is not present in population databases (gnomAD no frequency). This premature translational stop signal has been observed in individual(s) with primary ciliary dyskinesia (PMID: 29467202). Algorithms developed to predict the effect of sequence changes on RNA splicing suggest that this variant may disrupt the consensus splice site. For these reasons, this variant has been classified as Pathogenic.

Revvity Omics, Revvity
Classification: Pathogenic for Primary ciliary dyskinesia 7. Last evaluated: 2023-06-19. Review status: criteria provided, single submitter. Criteria: ACMG Guidelines, 2015. Collection method: clinical testing. Allele origin: germline.

Literature cited by the submitters: PubMed 18022865 (cited by Labcorp Genetics (formerly Invitae), Labcorp); PubMed 20513915 (cited by Labcorp Genetics (formerly Invitae), Labcorp); PubMed 22184204 (cited by Labcorp Genetics (formerly Invitae), Labcorp); PubMed 29467202 (cited by Labcorp Genetics (formerly Invitae), Labcorp).

NM_001277115.2(DNAH11):c.5506C>T (p.Arg1836Ter)

Gene: DNAH11 (dynein axonemal heavy chain 11; plus strand). Cytogenetic location: 7p15.3.
Variant type: single nucleotide variant.
Coding change: c.5506C>T on transcript NM_001277115.2 (MANE Select); coding-DNA position 5506, C replaced by T.
Protein change: p.Arg1836Ter; replaces arginine 1836 with a stop codon.
Molecular consequence: nonsense.
Genome position (GRCh38, 1-based): chr7:21,683,829, C>T. VCF-style: chr7-21683829-C-T. GRCh37 (hg19) VCF-style: chr7-21723447-C-T.
Other names: NM_001277115.2(DNAH11):c.5506C>T; p.Arg1836Ter; c.5527C>T, p.Arg1843Ter (NM_003777.3); short protein forms R1836*, R1843*.
Identifiers: ClinVar variation 2689025 (VCV002689025.7), dbSNP rs370080269, ClinGen allele CA155113115.